The following is an entry in ClinVar:

NM_000540.3(RYR1):c.3721del (p.Leu1241fs)

Gene: RYR1 (ryanodine receptor 1; plus strand). Cytogenetic location: 19q13.2.
Variant type: Deletion.
Coding change: c.3721del on transcript NM_000540.3 (MANE Select); coding-DNA position 3721, one base deleted (C; older notation c.3721delC).
Protein change: p.Leu1241fs; shifts the reading frame from leucine 1241.
Molecular consequence: frameshift variant.
Genome position (GRCh38, 1-based): chr19:38,469,469, C deleted; the last of 2 consecutive C bases (chr19:38,469,468-38,469,469); deleting either gives the same sequence. VCF-style (leftmost placement, unchanged base first): chr19-38469467-GC-G. GRCh37 (hg19) VCF-style: chr19-38960107-GC-G.
Other names: c.3721del, p.Leu1241fs (NM_001042723.2); short protein forms L1241fs.
Identifiers: ClinVar variation 4855121 (VCV004855121.1).

ClinVar aggregate classification (germline): Likely pathogenic (1 of 4 stars; one submission).

Conditions:
Congenital multicore myopathy with external ophthalmoplegia (CMYO1B). Also called: MULTIMINICORE DISEASE WITH EXTERNAL OPHTHALMOPLEGIA; MULTICORE MYOPATHY; Congenital myopathy 1B, autosomal recessive; Minicore myopathy; Minicore myopathy with external ophthalmoplegia. Identifiers: Orphanet 598, Orphanet 98905, MedGen C1850674, MONDO:0009712, OMIM 255320, HP:0003789.

Submission:

3billion
Classification: Likely pathogenic for Congenital multicore myopathy with external ophthalmoplegia. Last evaluated: 2025-12-26. Review status: criteria provided, single submitter. Criteria: ACMG Guidelines, 2015. Collection method: clinical testing. Allele origin: germline. Affected: yes.
Comment: The variant is not observed in the gnomAD v4.1.0 dataset. Predicted Consequence/Location: Frameshift: predicted to result in a loss or disruption of normal protein function through nonsense-mediated decay (NMD) or protein truncation. Multiple pathogenic variants are reported downstream of the variant. Therefore, this variant is classified as Likely pathogenic according to the recommendation of ACMG/AMP guideline.